The following is an entry in ClinVar:

NM_005402.4(RALA):c.32C>G (p.Ser11Cys)

Gene: RALA (RAS like proto-oncogene A; plus strand). Cytogenetic location: 7p14.1.
Variant type: single nucleotide variant.
Coding change: c.32C>G on transcript NM_005402.4 (MANE Select); coding-DNA position 32, C replaced by G.
Protein change: p.Ser11Cys; replaces serine 11 with cysteine.
Molecular consequence: missense variant.
Genome position (GRCh38, 1-based): chr7:39,686,699, C>G. VCF-style: chr7-39686699-C-G. GRCh37 (hg19) VCF-style: chr7-39726298-C-G.
Other names: short protein forms S11C.
Identifiers: ClinVar variation 2708773 (VCV002708773.3), dbSNP rs2534033963, ClinGen allele CA367304466.
Genomic context (GRCh38, chr7:39,686,699, plus strand): 5'-TAATCCTTTGGTGAAAACTGAGACACAAAATGGCTGCAAATAAGCCCAAGGGTCAGAATT[C>G]TTTGGCTTTACACAAAGTCATCATGGTGGGCAGTGGTGGCGTGGGCAAGTCAGCTCTGAC-3'
Protein context (NP_005393.2, residues 1-21): MAANKPKGQN[Ser11Cys]LALHKVIMVG

ClinVar aggregate classification (germline): Uncertain significance (1 of 4 stars; one submission).

Submission:

Labcorp Genetics (formerly Invitae), Labcorp
Classification: Uncertain significance. Last evaluated: 2024-05-15. Review status: criteria provided, single submitter. Criteria: Invitae Variant Classification Sherloc (09022015). Collection method: clinical testing. Allele origin: germline.
Comment: This sequence change replaces serine, which is neutral and polar, with cysteine, which is neutral and slightly polar, at codon 11 of the RALA protein (p.Ser11Cys). This variant is not present in population databases (gnomAD no frequency). This variant has not been reported in the literature in individuals affected with RALA-related conditions. Advanced modeling of protein sequence and biophysical properties (such as structural, functional, and spatial information, amino acid conservation, physicochemical variation, residue mobility, and thermodynamic stability) performed at Invitae indicates that this missense variant is not expected to disrupt RALA protein function with a negative predictive value of 95%. In summary, the available evidence is currently insufficient to determine the role of this variant in disease. Therefore, it has been classified as a Variant of Uncertain Significance.